The following is an entry in ClinVar:

ClinVar aggregate classification (germline): Uncertain significance (1 of 4 stars; one submission).

gnomAD v4.1: 12 of 1,612,402 alleles (0.00074%); highest among the groups gnomAD compares: Middle Eastern, 0.016%; no homozygotes.

Submission:

Labcorp Genetics (formerly Invitae), Labcorp
Classification: Uncertain significance. Last evaluated: 2023-12-22. Review status: criteria provided, single submitter. Criteria: Invitae Variant Classification Sherloc (09022015). Collection method: clinical testing. Allele origin: germline.
Comment: This sequence change replaces proline, which is neutral and non-polar, with glutamine, which is neutral and polar, at codon 826 of the ROR2 protein (p.Pro826Gln). This variant is present in population databases (no rsID available, gnomAD 0.004%). This variant has not been reported in the literature in individuals affected with ROR2-related conditions. Advanced modeling of protein sequence and biophysical properties (such as structural, functional, and spatial information, amino acid conservation, physicochemical variation, residue mobility, and thermodynamic stability) performed at Invitae indicates that this missense variant is not expected to disrupt ROR2 protein function with a negative predictive value of 95%. In summary, the available evidence is currently insufficient to determine the role of this variant in disease. Therefore, it has been classified as a Variant of Uncertain Significance.

NM_004560.4(ROR2):c.2477C>A (p.Pro826Gln)

Gene: ROR2 (receptor tyrosine kinase like orphan receptor 2; minus strand). Cytogenetic location: 9q22.31.
Variant type: single nucleotide variant.
Coding change: c.2477C>A on transcript NM_004560.4 (MANE Select); coding-DNA position 2477, C replaced by A.
Protein change: p.Pro826Gln; replaces proline 826 with glutamine.
Molecular consequence: missense variant.
Genome position (GRCh38, 1-based): chr9:91,724,017, G>T on the plus strand (C>A on the coding strand, the complement: ROR2 is on the minus strand). VCF-style: chr9-91724017-G-T. GRCh37 (hg19) VCF-style: chr9-94486299-G-T.
Other names: short protein forms P826Q.
Identifiers: ClinVar variation 2982581 (VCV002982581.3), dbSNP rs1016479276, ClinGen allele CA373794213.